The following is an entry in ClinVar:

NM_001379200.1(TBX1):c.1037-15C>T

Gene: TBX1 (T-box transcription factor 1; plus strand). Cytogenetic location: 22q11.21.
Variant type: single nucleotide variant.
Coding change: c.1037-15C>T on transcript NM_001379200.1 (MANE Select); 15 bases into the intron before coding-DNA position 1037, C replaced by T.
Molecular consequence: intron variant.
Genome position (GRCh38, 1-based): chr22:19,766,374, C>T. VCF-style: chr22-19766374-C-T. GRCh37 (hg19) VCF-style: chr22-19753897-C-T.
Other names: c.1009+372C>T (NM_005992.1, NM_080646.2); c.1010-15C>T (NM_080647.1).
Identifiers: ClinVar variation 1191214 (VCV001191214.12), dbSNP rs533097263, ClinGen allele CA322058067.
Genomic context (GRCh38, chr22:19,766,374, plus strand): 5'-CAGGGCCTCGCATGGGGCGTCGGAGCTCCTCGGCGGCCCCGGCCGGCCGCGCTCACTCCT[C>T]GGCCCTCTCCGCAGACGCGGCTGAGGCCCGGCGAGAATTCCAGCGCGACGCGGGCGGGCC-3'

ClinVar aggregate classification (germline): Likely benign. Review status: criteria provided, multiple submitters, no conflicts (2 of 4 stars). 4 submissions from 4 submitters: Likely benign (4). Last evaluated 2026-03-17.

Conditions:
DiGeorge syndrome. Also called: THIRD AND FOURTH PHARYNGEAL POUCH SYNDROME; Catch22. Identifiers: Orphanet 567, MedGen C0012236, MONDO:0008564, OMIM 188400.

Allele frequency attached by ClinVar (database versions not stated): gnomAD exomes 0.00007; 1000 Genomes Project 0.00040; gnomAD 0.00081 and 0.00087; 1000 Genomes Project 30x 0.00094; TOPMed 0.00097.

Submissions (4):

Women's Health and Genetics/Laboratory Corporation of America, LabCorp
Classification: Likely benign. Last evaluated: 2026-03-17. Review status: criteria provided, single submitter. Criteria: LabCorp Variant Classification Summary - May 2015. Collection method: clinical testing. Allele origin: germline.
Comment: Variant summary: TBX1 c.1010-15C>T alters a nucleotide located at a position not widely known to affect splicing. Consensus agreement among computation tools predict no significant impact on normal splicing. However, these predictions have yet to be confirmed by functional studies. The variant allele was found at a frequency of 6.9e-05 in 14452 control chromosomes. The available data on variant occurrences in the general population are insufficient to allow any conclusion about variant significance. To our knowledge, no occurrence of c.1010-15C>T in individuals affected with TBX1-related conditions and no experimental evidence demonstrating its impact on protein function have been reported. ClinVar contains an entry for this variant (Variation ID: 1191214). Based on the evidence outlined above, the variant was classified as likely benign.

Labcorp Genetics (formerly Invitae), Labcorp
Classification: Likely benign for DiGeorge syndrome. Last evaluated: 2026-01-23. Review status: criteria provided, single submitter. Criteria: Invitae Variant Classification Sherloc (09022015). Collection method: clinical testing. Allele origin: germline.

Blueprint Genetics
Classification: Likely benign. Last evaluated: 2024-09-23. Review status: criteria provided, single submitter. Criteria: ACMG Guidelines, 2015. Collection method: clinical testing. Allele origin: germline.

GeneDx
Classification: Likely benign. Last evaluated: 2019-03-11. Review status: criteria provided, single submitter. Criteria: GeneDx Variant Classification Process June 2021. Collection method: clinical testing. Allele origin: germline. Affected: yes.